The following is an entry in ClinVar:

NC_000009.12:g.(?_137790828)_(137818158_?)del

Gene: EHMT1 (euchromatic histone lysine methyltransferase 1; plus strand). Cytogenetic location: 9q34.3.
Variant type: Deletion.
Identifiers: ClinVar variation 831008 (VCV000831008.1).

ClinVar aggregate classification (germline): Likely pathogenic (1 of 4 stars; one submission).

Conditions:
Kleefstra syndrome 1 (KLEFS1). Identifiers: Orphanet 261494, MedGen C0795833, MONDO:0027407, OMIM 610253.

Submission:

Labcorp Genetics (formerly Invitae), Labcorp
Classification: Likely pathogenic for Kleefstra syndrome 1. Last evaluated: 2019-03-14. Review status: criteria provided, single submitter. Criteria: Invitae Variant Classification Sherloc (09022015). Collection method: clinical testing. Allele origin: germline.
Comment: This variant is an in-frame deletion of the genomic region encompassing exons 16-25 of the EHMT1 gene. It preserves the integrity of the reading frame. This variant has not been reported in the literature in individuals with EHMT1-related conditions. This variant disrupts the p.Pro809 amino acid residue in EHMT1. Other variant(s) that disrupt this residue have been determined to be pathogenic (PMID: 28057753). This suggests that this residue is clinically-significant, and that variants that disrupt this residue are likely to be disease-causing. In summary, the currently available evidence indicates that the variant is pathogenic, but additional data are needed to prove that conclusively. Therefore, this variant has been classified as Likely Pathogenic.

Literature cited by the submitters: PubMed 28057753.